The following is an entry in ClinVar:

NM_000426.4(LAMA2):c.437C>A (p.Ser146Tyr)

Gene: LAMA2 (laminin subunit alpha 2; plus strand). Cytogenetic location: 6q22.33.
Variant type: single nucleotide variant.
Coding change: c.437C>A on transcript NM_000426.4 (MANE Select); coding-DNA position 437, C replaced by A.
Protein change: p.Ser146Tyr; replaces serine 146 with tyrosine.
Molecular consequence: missense variant.
Genome position (GRCh38, 1-based): chr6:129,098,213, C>A. VCF-style: chr6-129098213-C-A. GRCh37 (hg19) VCF-style: chr6-129419358-C-A.
Other names: p.Ser146Tyr; c.437C>A (NM_000426.3); c.437C>A, p.Ser146Tyr (NM_001079823.2); short protein forms S146Y.
Identifiers: ClinVar variation 1431679 (VCV001431679.12), dbSNP rs143680577, ClinGen allele CA365829125.

ClinVar aggregate classification (germline): Conflicting classifications of pathogenicity. Review status: criteria provided, conflicting classifications (1 of 4 stars). 6 submissions from 6 submitters: Pathogenic (2); Likely pathogenic (2); Uncertain significance (2). Last evaluated 2026-06-29.

Conditions:
Muscular dystrophy, limb-girdle, autosomal recessive 23. Identifiers: Orphanet 565837, MedGen C4748327, MONDO:0029136, OMIM 618138.
Merosin deficient congenital muscular dystrophy (MDC1A). Also called: Congenital merosin-deficient muscular dystrophy 1A; Congenital Muscular Dystrophy Type 1A (MDC1A). Identifiers: Orphanet 258, MedGen C1263858, MONDO:0011925, OMIM 607855.
LAMA2-related muscular dystrophy (LAMA2-RD). Also called: Laminin alpha 2-related dystrophy. Identifiers: MedGen C5679788, MONDO:0100228.

gnomAD v4.1: 13 of 1,613,612 alleles (0.00081%); highest among the groups gnomAD compares: East Asian, 0.0022%; no homozygotes.

Submissions (6):

Laboratory of Medical Genetics, University of Torino
Classification: Uncertain significance for Merosin deficient congenital muscular dystrophy. Last evaluated: 2026-06-29. Review status: criteria provided, single submitter. Criteria: ACMG Guidelines, 2015. Collection method: clinical testing. Allele origin: paternal. Affected: yes.

Labcorp Genetics (formerly Invitae), Labcorp
Classification: Pathogenic for LAMA2-related muscular dystrophy. Last evaluated: 2025-12-02. Review status: criteria provided, single submitter. Criteria: Invitae Variant Classification Sherloc (09022015). Collection method: clinical testing. Allele origin: germline.
Comment: This sequence change replaces serine, which is neutral and polar, with tyrosine, which is neutral and polar, at codon 146 of the LAMA2 protein (p.Ser146Tyr). This variant is present in population databases (no rsID available, gnomAD 0.004%). This missense change has been observed in individual(s) with autosomal recessive LAMA2-related conditions and/or autosomal recessive limb-girdle muscular dystrophy (PMID: 31130284, 34281576, 34702656, 36380532, 37206914). In at least one individual the data is consistent with being in trans (on the opposite chromosome) from a pathogenic variant. ClinVar contains an entry for this variant (Variation ID: 1431679). Invitae Evidence Modeling of protein sequence and biophysical properties (such as structural, functional, and spatial information, amino acid conservation, physicochemical variation, residue mobility, and thermodynamic stability) has been performed for this missense variant. However, the output from this modeling did not meet the statistical confidence thresholds required to predict the impact of this variant on LAMA2 protein function. For these reasons, this variant has been classified as Pathogenic.

Fulgent Genetics
Classification: Likely pathogenic for Merosin deficient congenital muscular dystrophy; Muscular dystrophy, limb-girdle, autosomal recessive 23. Last evaluated: 2024-06-13. Review status: criteria provided, single submitter. Criteria: ACMG Guidelines, 2015. Collection method: clinical testing. Allele origin: germline.

Mayo Clinic Laboratories, Mayo Clinic
Classification: Pathogenic. Last evaluated: 2024-05-24. Review status: criteria provided, single submitter. Criteria: ACMG Guidelines, 2015. Collection method: clinical testing. Allele origin: germline. Observed: 1 variant allele.
Comment: PP3, PM2, PM3_strong, PM5, PS4_moderate

Baylor Genetics
Classification: Likely pathogenic for Merosin deficient congenital muscular dystrophy. Last evaluated: 2023-12-28. Review status: criteria provided, single submitter. Criteria: ACMG Guidelines, 2015. Collection method: clinical testing. Allele origin: unknown.

Blueprint Genetics
Classification: Uncertain significance. Last evaluated: 2023-11-20. Review status: criteria provided, single submitter. Criteria: ACMG Guidelines, 2015. Collection method: clinical testing. Allele origin: germline.

Literature cited by the submitters: PubMed 31130284 (cited by Labcorp Genetics (formerly Invitae), Labcorp and Mayo Clinic Laboratories, Mayo Clinic); PubMed 34281576 (cited by Labcorp Genetics (formerly Invitae), Labcorp and Mayo Clinic Laboratories, Mayo Clinic); PubMed 34702656 (cited by Labcorp Genetics (formerly Invitae), Labcorp and Mayo Clinic Laboratories, Mayo Clinic); PubMed 36380532 (cited by Labcorp Genetics (formerly Invitae), Labcorp and Mayo Clinic Laboratories, Mayo Clinic); PubMed 37206914 (cited by Labcorp Genetics (formerly Invitae), Labcorp and Mayo Clinic Laboratories, Mayo Clinic).